The following is an entry in ClinVar:

ClinVar aggregate classification (germline): Likely benign (1 of 4 stars; one submission).

gnomAD v4.1: 41 of 1,608,858 alleles (0.0025%); highest among the groups gnomAD compares: Middle Eastern, 0.05%; no homozygotes.

Submission:

CeGaT Center for Human Genetics Tuebingen
Classification: Likely benign. Last evaluated: 2024-08-01. Review status: criteria provided, single submitter. Criteria: CeGaT Center For Human Genetics Tuebingen Variant Classification Criteria Version 2. Collection method: clinical testing. Allele origin: germline. Affected: yes. Observed: 1 variant allele.
Comment: THOC6: BP4, BP7

NM_024339.5(THOC6):c.309G>A (p.Ala103=)

Gene: THOC6 (THO complex subunit 6; plus strand). Cytogenetic location: 16p13.3.
Variant type: single nucleotide variant.
Coding change: c.309G>A on transcript NM_024339.5 (MANE Select); coding-DNA position 309, G replaced by A.
Protein change: p.Ala103=; no amino-acid change (alanine 103 retained).
Molecular consequence: synonymous variant.
Genome position (GRCh38, 1-based): chr16:3,026,151, G>A. VCF-style: chr16-3026151-G-A. GRCh37 (hg19) VCF-style: chr16-3076152-G-A.
Other names: c.309G>A, p.Ala103= (NM_001142350.3, NM_001347704.2); c.237G>A, p.Ala79= (NM_001347703.2).
Identifiers: ClinVar variation 3341598 (VCV003341598.16).